The following is an entry in ClinVar:

ClinVar aggregate classification (germline): Benign/Likely benign. Review status: criteria provided, multiple submitters, no conflicts (2 of 4 stars). 3 submissions from 3 submitters: Benign (1); Likely benign (2). Last evaluated 2024-10-21.

Conditions:
Hereditary leiomyomatosis and renal cell cancer. Also called: Reed syndrome; Multiple cutaneous and uterine leiomyomatosis; Cutaneous leiomyomata with uterine leiomyomata; Leiomyoma, hereditary multiple, of skin; Multiple cutaneous and uterine leiomyomata; Multiple cutaneous leiomyomas. Identifiers: Orphanet 523, MedGen C1708350, MONDO:0007888, OMIM 150800, HP:0007437. Disease mechanism: loss of function.
Hereditary cancer-predisposing syndrome. Also called: Neoplastic Syndromes, Hereditary; Hereditary Cancer Syndrome; Hereditary neoplastic syndrome; Tumor predisposition. Identifiers: Orphanet 140162, MedGen C0027672, MeSH D009386, MONDO:0015356.

Submissions (3):

Myriad Genetics, Inc.
Classification: Benign for Hereditary leiomyomatosis and renal cell cancer. Last evaluated: 2024-10-21. Review status: criteria provided, single submitter. Criteria: Myriad Autosomal Dominant, Autosomal Recessive and X-Linked Classification Criteria (2023). Collection method: clinical testing. Allele origin: unknown.
Comment: This variant is considered benign. This variant is a silent/synonymous amino acid change and it is not expected to impact splicing.

Labcorp Genetics (formerly Invitae), Labcorp
Classification: Likely benign. Last evaluated: 2023-02-25. Review status: criteria provided, single submitter. Criteria: Invitae Variant Classification Sherloc (09022015). Collection method: clinical testing. Allele origin: germline.

Ambry Genetics
Classification: Likely benign for Hereditary cancer-predisposing syndrome. Last evaluated: 2019-12-31. Review status: criteria provided, single submitter. Criteria: Ambry Variant Classification Scheme 2023. Collection method: clinical testing. Allele origin: germline.

NM_000143.4(FH):c.1002T>C (p.Ser334=)

Gene: FH (fumarate hydratase; minus strand). Cytogenetic location: 1q43.
Variant type: single nucleotide variant.
Coding change: c.1002T>C on transcript NM_000143.4 (MANE Select); coding-DNA position 1002, T replaced by C.
Protein change: p.Ser334=; no amino-acid change (serine 334 retained).
Molecular consequence: synonymous variant.
Genome position (GRCh38, 1-based): chr1:241,504,148, A>G on the plus strand (T>C on the coding strand, the complement: FH is on the minus strand). VCF-style: chr1-241504148-A-G. GRCh37 (hg19) VCF-style: chr1-241667448-A-G.
Identifiers: ClinVar variation 1082011 (VCV001082011.12), dbSNP rs2147916185, ClinGen allele CA424075802.